The following is an entry in ClinVar:

NM_000124.4(ERCC6):c.2058G>A (p.Trp686Ter)

Gene: ERCC6 (ERCC excision repair 6, chromatin remodeling factor; minus strand). Cytogenetic location: 10q11.23.
Variant type: single nucleotide variant.
Coding change: c.2058G>A on transcript NM_000124.4 (MANE Select); coding-DNA position 2058, G replaced by A.
Protein change: p.Trp686Ter; replaces tryptophan 686 with a stop codon.
Molecular consequence: nonsense.
Genome position (GRCh38, 1-based): chr10:49,482,798, C>T on the plus strand (G>A on the coding strand, the complement: ERCC6 is on the minus strand). VCF-style: chr10-49482798-C-T. GRCh37 (hg19) VCF-style: chr10-50690844-C-T.
Other names: c.2058G>A, p.Trp686Ter (NM_001346440.2); short protein forms W686*.
Identifiers: ClinVar variation 435083 (VCV000435083.10), dbSNP rs751292948, ClinGen allele CA376724364.

ClinVar aggregate classification (germline): Pathogenic/Likely pathogenic. Review status: criteria provided, multiple submitters, no conflicts (2 of 4 stars). 3 submissions from 3 submitters: Pathogenic (2); Likely pathogenic (1). Last evaluated 2024-08-12.

Conditions:
Cockayne syndrome type 2 (CSB). Also called: Cockayne Syndrome, Type II; COCKAYNE SYNDROME B. Identifiers: Orphanet 191, Orphanet 90322, MedGen C0751038, MONDO:0019570, OMIM 133540.

Allele frequency attached by ClinVar (database versions not stated): gnomAD below 0.00001 and 0.00001.

Submissions (3):

Labcorp Genetics (formerly Invitae), Labcorp
Classification: Pathogenic. Last evaluated: 2024-08-12. Review status: criteria provided, single submitter. Criteria: Invitae Variant Classification Sherloc (09022015). Collection method: clinical testing. Allele origin: germline.
Comment: This sequence change creates a premature translational stop signal (p.Trp686*) in the ERCC6 gene. It is expected to result in an absent or disrupted protein product. Loss-of-function variants in ERCC6 are known to be pathogenic (PMID: 18628313, 29572252). This variant is not present in population databases (gnomAD no frequency). This premature translational stop signal has been observed in individual(s) with clinical features of ERCC6-related conditions (PMID: 29915382). ClinVar contains an entry for this variant (Variation ID: 435083). For these reasons, this variant has been classified as Pathogenic.

Genetic Services Laboratory, University of Chicago
Classification: Pathogenic for Cockayne syndrome, type B. Last evaluated: 2015-10-29. Review status: criteria provided, single submitter. Criteria: ACMG Guidelines, 2015. Collection method: clinical testing. Allele origin: germline. Affected: yes.

Neuberg Centre For Genomic Medicine, NCGM
Classification: Likely pathogenic for Cockayne syndrome type 2. Review status: criteria provided, single submitter. Criteria: ACMG Guidelines, 2015. Collection method: clinical testing. Allele origin: germline. Inheritance: Autosomal recessive inheritance. Affected: yes.
Comment: The stop gain c.2058G>A (p.Trp686Ter) variant in ERCC6 gene has been reported in ClinVar as a pathogenic variant. The variant is novel (not in any individuals) in gnomAD Exomes and in 1000 Genomes. The nucleotide change c.2058G>A in ERCC6 is predicted as conserved by GERP++ and PhyloP across 100 vertebrates This variant is predicted to cause loss of normal protein function through protein truncation. Loss of function variants have been previously reported to be disease causing. For these reasons, this variant has been classified as Likely Pathogenic.

Literature cited by the submitters: PubMed 18628313 (cited by Labcorp Genetics (formerly Invitae), Labcorp); PubMed 29572252 (cited by Labcorp Genetics (formerly Invitae), Labcorp); PubMed 29915382 (cited by Labcorp Genetics (formerly Invitae), Labcorp).